The following is an entry in ClinVar:

ClinVar aggregate classification (germline): Pathogenic. Review status: criteria provided, multiple submitters, no conflicts (2 of 4 stars). 2 submissions from 2 submitters: Pathogenic (2). Last evaluated 2022-05-20.

Conditions:
Neurofibromatosis, type 1 (NF1). Also called: VON RECKLINGHAUSEN DISEASE; Peripheral type neurofibromatosis; NEUROFIBROMATOSIS, TYPE I, SOMATIC; Neurofibromatosis, type I. Identifiers: Orphanet 636, MedGen C0027831, MONDO:0018975, OMIM 162200. Disease mechanism: loss of function.
Neurofibromatosis-Noonan syndrome (NFNS). Also called: NEUROFIBROMATOSIS WITH NOONAN PHENOTYPE. Identifiers: Orphanet 638, MedGen C2931482, MONDO:0011035, OMIM 601321. Disease mechanism: loss of function.
Café-au-lait macules with pulmonary stenosis (WTSN). Also called: PULMONIC STENOSIS WITH CAFE-AU-LAIT SPOTS. Identifiers: MedGen C0553586, MONDO:0008672, OMIM 193520.
Juvenile myelomonocytic leukemia (JMML). Also called: LEUKEMIA, JUVENILE MYELOMONOCYTIC, SOMATIC. Identifiers: Orphanet 86834, MedGen C0349639, MONDO:0011908, OMIM 607785, HP:0012209.
Neurofibromatosis, familial spinal (FSNF). Identifiers: Orphanet 636, MedGen C1834235, MONDO:0008078, OMIM 162210. Disease mechanism: loss of function.

Submissions (2):

Fulgent Genetics
Classification: Pathogenic for Neurofibromatosis, type 1; Neurofibromatosis, familial spinal; Café-au-lait macules with pulmonary stenosis; Neurofibromatosis-Noonan syndrome; Juvenile myelomonocytic leukemia. Last evaluated: 2022-05-20. Review status: criteria provided, single submitter. Criteria: ACMG Guidelines, 2015. Collection method: clinical testing. Allele origin: unknown.

Labcorp Genetics (formerly Invitae), Labcorp
Classification: Pathogenic for Neurofibromatosis, type 1. Last evaluated: 2020-10-07. Review status: criteria provided, single submitter. Criteria: Invitae Variant Classification Sherloc (09022015). Collection method: clinical testing. Allele origin: germline.
Comment: This sequence change creates a premature translational stop signal (p.Glu1210*) in the NF1 gene. It is expected to result in an absent or disrupted protein product. For these reasons, this variant has been classified as Pathogenic. Loss-of-function variants in NF1 are known to be pathogenic (PMID: 10712197, 23913538). Algorithms developed to predict the effect of sequence changes on RNA splicing suggest that this variant may create or strengthen a splice site, but this prediction has not been confirmed by published transcriptional studies. This variant has been observed in individual(s) with neurofibromatosis type 1 (PMID: 10712197). This variant is not present in population databases (ExAC no frequency).

Literature cited by the submitters: PubMed 10712197 (cited by Labcorp Genetics (formerly Invitae), Labcorp); PubMed 23913538 (cited by Labcorp Genetics (formerly Invitae), Labcorp).

NM_001042492.3(NF1):c.3628G>T (p.Glu1210Ter)

Gene: NF1 (neurofibromin 1; plus strand). Cytogenetic location: 17q11.2.
Variant type: single nucleotide variant.
Coding change: c.3628G>T on transcript NM_001042492.3 (MANE Select); coding-DNA position 3628, G replaced by T.
Protein change: p.Glu1210Ter; replaces glutamic acid 1210 with a stop codon.
Molecular consequence: nonsense.
Genome position (GRCh38, 1-based): chr17:31,233,133, G>T. VCF-style: chr17-31233133-G-T. GRCh37 (hg19) VCF-style: chr17-29560151-G-T.
Other names: c.3628G>T, p.Glu1210Ter (NM_000267.4); short protein forms E1210*.
Identifiers: ClinVar variation 1069722 (VCV001069722.6), dbSNP rs2151435633, ClinGen allele CA398990365.
Genomic context (GRCh38, chr17:31,233,133, plus strand): 5'-GGCACAGAATTTGACACACTTGCAGAAACAGTATTGGCTGATCGGTTTGAGAGATTGGTG[G>T]AACTGGTCACAATGATGGGTGATCAAGGAGAACTCCCTATAGCGATGGCTCTGGCCAATG-3'